The following is an entry in ClinVar:

ClinVar aggregate classification (germline): Benign. Review status: reviewed by expert panel (3 of 4 stars). 14 submissions from 14 submitters: Benign (1). 13 of the submissions do not count toward it. Last evaluated 2025-05-19.

Conditions:
Autosomal recessive limb-girdle muscular dystrophy. Identifiers: Orphanet 102015, MedGen C2931907, MONDO:0015152.
Neuromuscular disease caused by qualitative or quantitative defects of dysferlin. Also called: Dysferlinopathy; Qualitative or quantitative defects of dysferlin. Identifiers: Orphanet 207073, MedGen C2931687, MONDO:0016145.
Miyoshi muscular dystrophy 1 (MMD1). Identifiers: Orphanet 45448, MedGen C4551973, MONDO:0024545, OMIM 254130.
Autosomal recessive limb-girdle muscular dystrophy type 2B (LGMDR2). Also called: MUSCULAR DYSTROPHY, LIMB-GIRDLE, TYPE 3; Limb-girdle muscular dystrophy, type 2B; Limb-Girdle Muscular Dystrophy Type 2B (LGMD2B); MUSCULAR DYSTROPHY, LIMB-GIRDLE, AUTOSOMAL RECESSIVE 2. Identifiers: Orphanet 268, MedGen C1850889, MONDO:0009676, OMIM 253601.

Allele frequency attached by ClinVar (database versions not stated): 1000 Genomes Project 0.00260; 1000 Genomes Project 30x 0.00265; ESP Exome Variant Server 0.00554; TOPMed 0.00619.
gnomAD v4.1: 12,432 of 1,614,198 alleles (0.77%); highest among the groups gnomAD compares: Non-Finnish European, 0.9%; 59 homozygotes.

Submissions (14):

ClinGen Limb Girdle Muscular Dystrophy Variant Curation Expert Panel, ClinGen
Classification: Benign for Autosomal recessive limb-girdle muscular dystrophy. Last evaluated: 2025-05-19. Review status: reviewed by expert panel. Criteria: ClinGen LGMD VCEP ACMG Specifications DYSF V1.0.0. Collection method: curation. Allele origin: germline. Inheritance: Autosomal recessive inheritance.
Comment: The NM_003494.4: c.3534C>T p.(Ile1178=) variant in DYSF, which is also known as NM_001130987.2: c.3588C>T (p.Ile1196=), is a synonymous (silent) variant that is not located in a splice region (outside of the first and the last 3 bases of the exon). The filtering allele frequency for this variant is 0.008874 in gnomAD v4.1.0 (the lower threshold of the 95% CI of 10642/1180038 European (non-Finnish) chromosomes), which is higher than the VCEP threshold of 0.003 (BA1). This variant was detected in a heterozygous state in one individual with suspected LGMD and absent dysferlin expression by blood monocyte assay. No second variant in DYSF was identified, and this individual also had two variants in DNAJB6 (PMID: 25493284, 36983702). The SpliceAI prediction score for this variant is 0.27, which is greater than the VCEP threshold of <0.05 (BP4 not met). However, RNASeq data showed this variant does not affect splicing (PMID: 36983702). In summary, this variant meets the criteria to be classified as Benign for autosomal recessive limb girdle muscular dystrophy based on the ACMG/AMP criteria applied, as specified by the ClinGen LGMD VCEP (LGMD VCEP specifications version 1.0.0; 05/19/2025): BA1.

CeGaT Center for Human Genetics Tuebingen
Classification: Likely benign. Last evaluated: 2026-08-01. Review status: criteria provided, single submitter. Criteria: CeGaT Center For Human Genetics Tuebingen Variant Classification Criteria Version 2. Collection method: clinical testing. Allele origin: germline. Affected: yes. Observed: 27 variant alleles. Not counted in ClinVar's aggregate classification.
Comment: DYSF: BS2

Labcorp Genetics (formerly Invitae), Labcorp
Classification: Benign for Neuromuscular disease caused by qualitative or quantitative defects of dysferlin. Last evaluated: 2026-02-04. Review status: criteria provided, single submitter. Criteria: Invitae Variant Classification Sherloc (09022015). Collection method: clinical testing. Allele origin: germline. Not counted in ClinVar's aggregate classification.

Blueprint Genetics
Classification: Likely benign. Last evaluated: 2024-11-26. Review status: criteria provided, single submitter. Criteria: ACMG Guidelines, 2015. Collection method: clinical testing. Allele origin: germline. Not counted in ClinVar's aggregate classification.

Genome-Nilou Lab
Classification: Likely benign for Miyoshi muscular dystrophy 1. Last evaluated: 2021-05-18. Review status: criteria provided, single submitter. Criteria: ACMG Guidelines, 2015. Collection method: clinical testing. Allele origin: germline. Affected: no. Not counted in ClinVar's aggregate classification.

Mayo Clinic Laboratories, Mayo Clinic
Classification: Benign. Last evaluated: 2019-03-01. Review status: criteria provided, single submitter. Criteria: ACMG Guidelines, 2015. Collection method: clinical testing. Allele origin: germline. Observed: 19 variant alleles. Not counted in ClinVar's aggregate classification.

Illumina Laboratory Services, Illumina
Classification: Uncertain significance for Qualitative or quantitative defects of dysferlin. Last evaluated: 2018-01-13. Review status: criteria provided, single submitter. Criteria: ICSL Variant Classification Criteria 13 December 2019. Collection method: clinical testing. Allele origin: germline. Not counted in ClinVar's aggregate classification.

Athena Diagnostics
Classification: Benign. Last evaluated: 2017-11-24. Review status: criteria provided, single submitter. Criteria: Athena Diagnostics Criteria. Collection method: clinical testing. Allele origin: germline. Not counted in ClinVar's aggregate classification.

GeneDx
Classification: Benign. Last evaluated: 2016-09-06. Review status: criteria provided, single submitter. Criteria: GeneDx Variant Classification (06012015). Collection method: clinical testing. Allele origin: germline. Affected: yes. Not counted in ClinVar's aggregate classification.
Comment: This variant is considered likely benign or benign based on one or more of the following criteria: it is a conservative change, it occurs at a poorly conserved position in the protein, it is predicted to be benign by multiple in silico algorithms, and/or has population frequency not consistent with disease.

Eurofins Ntd Llc (ga)
Classification: Benign. Last evaluated: 2015-07-10. Review status: criteria provided, single submitter. Criteria: EGL Classification Definitions 2015. Collection method: clinical testing. Allele origin: germline. Observed: 1 variant allele, 1 heterozygote. Not counted in ClinVar's aggregate classification.

Natera, Inc.
Classification: Benign for Limb-girdle muscular dystrophy type 2B. Last evaluated: 2020-09-16. Review status: no assertion criteria provided. Collection method: clinical testing. Allele origin: germline. Not counted in ClinVar's aggregate classification.

Clinical Genetics, Academic Medical Center
Classification: Benign. Review status: no assertion criteria provided. Collection method: clinical testing. Allele origin: germline. Affected: yes. Study: VKGL Data-share Consensus. Not counted in ClinVar's aggregate classification.

Genetic Services Laboratory, University of Chicago
Classification: Likely benign for AllHighlyPenetrant. Review status: no assertion criteria provided. Collection method: clinical testing. Allele origin: germline. Inheritance: Autosomal recessive inheritance. Not counted in ClinVar's aggregate classification.
Comment: Likely benign based on allele frequency in 1000 Genomes Project or ESP global frequency and its presence in a patient with a rare or unrelated disease phenotype. NOT Sanger confirmed.

Laboratory of Diagnostic Genome Analysis, Leiden University Medical Center (LUMC)
Classification: Likely benign. Review status: no assertion criteria provided. Collection method: clinical testing. Allele origin: germline. Affected: yes. Study: VKGL Data-share Consensus. Not counted in ClinVar's aggregate classification.

Literature cited by the submitters: PubMed 26290895 (cited by Athena Diagnostics).

NM_001130987.2(DYSF):c.3588C>T (p.Ile1196=)

Gene: DYSF (dysferlin; plus strand). Cytogenetic location: 2p13.2.
Variant type: single nucleotide variant.
Coding change: c.3588C>T on transcript NM_001130987.2 (MANE Select); coding-DNA position 3588, C replaced by T.
Protein change: p.Ile1196=; no amino-acid change (isoleucine 1196 retained).
Molecular consequence: synonymous variant.
Genome position (GRCh38, 1-based): chr2:71,598,577, C>T. VCF-style: chr2-71598577-C-T. GRCh37 (hg19) VCF-style: chr2-71825707-C-T.
Other names: NM_001130987.2(DYSF):c.3588C>T; p.Ile1196=; p.Ile1178=; c.3537C>T, p.Ile1179= (NM_001130455.2, NM_001130983.2); c.3492C>T, p.Ile1164= (NM_001130976.2, NM_001130977.2); c.3534C>T, p.Ile1178= (NM_001130978.2, NM_003494.4); c.3627C>T, p.Ile1209= (NM_001130979.2); c.3585C>T, p.Ile1195= (NM_001130980.2, NM_001130981.2); and 3 more.
Identifiers: ClinVar variation 94307 (VCV000094307.60), dbSNP rs79899601, ClinGen allele CA152665.